The following is an entry in ClinVar:

NM_000277.3(PAH):c.901C>T (p.Gln301Ter)

Genes: PAH (phenylalanine hydroxylase; minus strand), LOC126861615 (CDK7 strongly-dependent group 2 enhancer GRCh37_chr12:103244689-103245888; plus strand). Cytogenetic location: 12q23.2.
Variant type: single nucleotide variant.
Coding change: c.901C>T on transcript NM_000277.3 (MANE Select); coding-DNA position 901, C replaced by T.
Protein change: p.Gln301Ter; replaces glutamine 301 with a stop codon.
Molecular consequence: nonsense.
Genome position (GRCh38, 1-based): chr12:102,851,698, G>A on the plus strand (C>T on the coding strand, the complement: PAH is on the minus strand). VCF-style: chr12-102851698-G-A. GRCh37 (hg19) VCF-style: chr12-103245476-G-A.
Other names: c.901C>T, p.Gln301Ter (NM_001354304.2); short protein forms Q301*.
Identifiers: ClinVar variation 805824 (VCV000805824.1), dbSNP rs1057520732, ClinGen allele CA16020888.
Genomic context (GRCh38, chr12:102,851,698, plus strand): 5'-ATTCAGGTCACAGACCTATAACTAGAAGGCTAAAAAATCCATTCCTTACCTGGGAAAACT[G>A]GGCAAAGCTGCGATCTGAAAACAAGGGCACATGTCCCAACAGCTCATGGCAGATGTCACT-3'

ClinVar aggregate classification (germline): Pathogenic (3 of 4 stars; one submission).

Conditions:
Phenylketonuria (PKU). Also called: FOLLING DISEASE; Phenylketonuria (PKU); OLIGOPHRENIA PHENYLPYRUVICA; Phenylketonurias. Identifiers: Orphanet 716, MedGen C0031485, MONDO:0009861, OMIM 261600. Disease mechanism: loss of function.

Submission:

ClinGen PAH Variant Curation Expert Panel
Classification: Pathogenic for Phenylketonuria. Last evaluated: 2019-04-04. Review status: reviewed by expert panel. Criteria: ClinGen PAH ACMG Specifications v1. Collection method: curation. Allele origin: germline. Inheritance: Autosomal recessive inheritance.
Comment: The c.901C>T (p.Q301*) variant in PAH has been reported in at least one patient with PKU (PMID: 20140859). This is a nonsense variant that occurs in exon 9 of PAH, predicted to undergo nonsense mediated decay with the truncated region critical to protein function. This variant is absent from population databases, including: 1000 Genomes, ESP, and gnomAD. In summary, this variant meets criteria to be classified as pathogenic for PAH. PAH-specific ACMG/AMP criteria applied: PVS1, PM2, PP4.

Literature cited by the submitters: PubMed 20140859.